The following is an entry in ClinVar:

NM_000458.4(HNF1B):c.1654-14CT[4]

Gene: HNF1B (HNF1 homeobox B; minus strand). Cytogenetic location: 17q12.
Variant type: Microsatellite.
Coding change: c.1654-14CT[4] on transcript NM_000458.4 (MANE Select); four copies in a row of the 2-base unit CT starting at c.1654-14; the reference has five copies in a row; one copy, 2 bases deleted.
Molecular consequence: intron variant.
Genome position (GRCh38, 1-based): chr17:37,687,397-37,687,398, AG deleted on the plus strand (CT on the coding strand, the reverse complement: HNF1B is on the minus strand); deleting any 2 consecutive bases within chr17:37,687,397-37,687,406 gives the same sequence; the position shown is the placement nearest the transcript's 3' end. VCF-style (leftmost placement, unchanged base first): chr17-37687396-CAG-C. GRCh37 (hg19) VCF-style: chr17-36047399-CAG-C.
Other names: p.?; c.1262-14CT[4] (NM_001304286.2); c.1576-14CT[4] (NM_001165923.4); c.1654-6_1654-5del (NM_000458.4).
Identifiers: ClinVar variation 322944 (VCV000322944.22), dbSNP rs886052890, ClinGen allele CA10645512.

ClinVar aggregate classification (germline): Conflicting classifications of pathogenicity. Review status: criteria provided, conflicting classifications (1 of 4 stars). 5 submissions from 5 submitters: Uncertain significance (1); Likely benign (4). Last evaluated 2025-09-02.

Conditions:
Maturity-onset diabetes of the young (MODY). Also called: Maturity onset diabetes mellitus in young. Identifiers: Orphanet 552, MedGen C0342276, MONDO:0018911, HP:0004904.

Submissions (5):

Labcorp Genetics (formerly Invitae), Labcorp
Classification: Likely benign. Last evaluated: 2025-09-02. Review status: criteria provided, single submitter. Criteria: Invitae Variant Classification Sherloc (09022015). Collection method: clinical testing. Allele origin: germline.

CeGaT Center for Human Genetics Tuebingen
Classification: Likely benign. Last evaluated: 2025-03-01. Review status: criteria provided, single submitter. Criteria: CeGaT Center For Human Genetics Tuebingen Variant Classification Criteria Version 2. Collection method: clinical testing. Allele origin: germline. Affected: yes. Observed: 1 variant allele.
Comment: HNF1B: BP4

Mayo Clinic Laboratories, Mayo Clinic
Classification: Likely benign. Last evaluated: 2024-11-22. Review status: criteria provided, single submitter. Criteria: ACMG Guidelines, 2015. Collection method: clinical testing. Allele origin: germline. Observed: 1 variant allele.

GeneDx
Classification: Likely benign. Last evaluated: 2023-09-25. Review status: criteria provided, single submitter. Criteria: GeneDx Variant Classification Process June 2021. Collection method: clinical testing. Allele origin: germline. Affected: yes.
Comment: See Variant Classification Assertion Criteria.

Clinical Genomics, Uppaluri K&H Personalized Medicine Clinic
Classification: Uncertain significance for Maturity-onset diabetes of the young. Review status: criteria provided, single submitter. Criteria: K & H Uppaluri Personalized Medicine Clinic Variant Classification & Assertion Criteria_Updated V.1. Collection method: research. Allele origin: unknown. Inheritance: Autosomal dominant inheritance.
Comment: HNF1B gene mutations are associated with early onset diabetes and pancreatic atrophy. It is also associated with multiple renal manifestations including renal cysts, Tubulointerstitial disease, glomerulocystic disease, renal hypoplasia, hypomagnesemia. However no sufficient evidence is found to ascertain the role of this particular variant rs886052890, yet.

Literature cited by the submitters: PubMed 24897035 (cited by Clinical Genomics, Uppaluri K&H Personalized Medicine Clinic); PubMed 25536396 (cited by Clinical Genomics, Uppaluri K&H Personalized Medicine Clinic); PubMed 27615128 (cited by Clinical Genomics, Uppaluri K&H Personalized Medicine Clinic); PubMed 28215227 (cited by Clinical Genomics, Uppaluri K&H Personalized Medicine Clinic); PubMed 33434175 (cited by Clinical Genomics, Uppaluri K&H Personalized Medicine Clinic); PubMed 25741167 (cited by Clinical Genomics, Uppaluri K&H Personalized Medicine Clinic); PubMed 26340261 (cited by Clinical Genomics, Uppaluri K&H Personalized Medicine Clinic); PubMed 19639018 (cited by Clinical Genomics, Uppaluri K&H Personalized Medicine Clinic).